The following is an entry in ClinVar:

NM_001204.7(BMPR2):c.2254C>G (p.Pro752Ala)

Gene: BMPR2 (bone morphogenetic protein receptor type 2; plus strand). Cytogenetic location: 2q33.2.
Variant type: single nucleotide variant.
Coding change: c.2254C>G on transcript NM_001204.7 (MANE Select); coding-DNA position 2254, C replaced by G.
Protein change: p.Pro752Ala; replaces proline 752 with alanine.
Molecular consequence: missense variant.
Genome position (GRCh38, 1-based): chr2:202,555,919, C>G. VCF-style: chr2-202555919-C-G. GRCh37 (hg19) VCF-style: chr2-203420642-C-G.
Other names: short protein forms P752A.
Identifiers: ClinVar variation 4597742 (VCV004597742.1).
Genomic context (GRCh38, chr2:202,555,919, plus strand): 5'-TGTTTGATTCCTGATGTTCTGCCTACTCAGATCTATCCTCTCCCCAAGCAGCAGAACCTT[C>G]CCAAGAGACCTACTAGTTTGCCTTTGAACACCAAAAATTCAACAAAAGAGCCCCGGCTAA-3'
Protein context (NP_001195.2, residues 742-762): IYPLPKQQNL[Pro752Ala]KRPTSLPLNT

ClinVar aggregate classification (germline): Uncertain significance (1 of 4 stars; one submission).

Conditions:
Inborn genetic diseases. Identifiers: MedGen C0950123, MeSH D030342.

Submission:

Ambry Genetics
Classification: Uncertain significance for Inborn genetic diseases. Last evaluated: 2025-11-15. Review status: criteria provided, single submitter. Criteria: Ambry Variant Classification Scheme 2023. Collection method: clinical testing. Allele origin: germline.
Comment: The p.P752A variant (also known as c.2254C>G), located in coding exon 12 of the BMPR2 gene, results from a C to G substitution at nucleotide position 2254. The proline at codon 752 is replaced by alanine, an amino acid with highly similar properties. This amino acid position is conserved. In addition, this alteration is predicted to be deleterious by in silico analysis. Based on the available evidence, the clinical significance of this variant remains unclear.